The following is an entry in ClinVar:

ClinVar aggregate classification (germline): Uncertain significance (1 of 4 stars; one submission).

Conditions:
Cardiomyopathy (CMYO). Also called: Cardiomyopathies. Identifiers: Orphanet 167848, MedGen C0878544, MONDO:0004994, HP:0001638. Inheritance: Various modes of inheritance.

Submission:

Color Diagnostics, LLC DBA Color Health
Classification: Uncertain significance for Cardiomyopathy. Last evaluated: 2024-03-06. Review status: criteria provided, single submitter. Criteria: ACMG Guidelines, 2015. Collection method: clinical testing. Allele origin: germline.
Comment: This missense variant replaces threonine with isoleucine at codon 2218 of the DSP protein. Computational prediction suggests that this variant may not impact protein structure and function (internally defined REVEL score threshold <= 0.5, PMID: 27666373). To our knowledge, functional studies have not been reported for this variant. This variant has not been reported in individuals affected with DSP-related disorders in the literature. This variant has not been identified in the general population by the Genome Aggregation Database (gnomAD). The available evidence is insufficient to determine the role of this variant in disease conclusively. Therefore, this variant is classified as a Variant of Uncertain Significance.

NM_004415.4(DSP):c.6653C>T (p.Thr2218Ile)

Gene: DSP (desmoplakin; plus strand). Cytogenetic location: 6p24.3.
Variant type: single nucleotide variant.
Coding change: c.6653C>T on transcript NM_004415.4 (MANE Select); coding-DNA position 6653, C replaced by T.
Protein change: p.Thr2218Ile; replaces threonine 2218 with isoleucine.
Molecular consequence: missense variant.
Genome position (GRCh38, 1-based): chr6:7,583,915, C>T. VCF-style: chr6-7583915-C-T. GRCh37 (hg19) VCF-style: chr6-7584148-C-T.
Other names: c.4856C>T, p.Thr1619Ile (NM_001008844.3); c.5324C>T, p.Thr1775Ile (NM_001319034.2); short protein forms T1619I, T1775I, T2218I.
Identifiers: ClinVar variation 2775350 (VCV002775350.2), dbSNP rs2533942318, ClinGen allele CA362691259.